The following is an entry in ClinVar:

NM_022124.6(CDH23):c.4210-2A>G

Gene: CDH23 (cadherin related 23; plus strand). Cytogenetic location: 10q22.1.
Variant type: single nucleotide variant.
Coding change: c.4210-2A>G on transcript NM_022124.6 (MANE Select); the canonical splice acceptor site of the intron before coding-DNA position 4210, A replaced by G.
Molecular consequence: splice acceptor variant.
Genome position (GRCh38, 1-based): chr10:71,738,496, A>G. VCF-style: chr10-71738496-A-G. GRCh37 (hg19) VCF-style: chr10-73498253-A-G.
Identifiers: ClinVar variation 585306 (VCV000585306.9), dbSNP rs557620034, ClinGen allele CA5544987.

ClinVar aggregate classification (germline): Conflicting classifications of pathogenicity. Review status: criteria provided, conflicting classifications (1 of 4 stars). 5 submissions from 5 submitters: Pathogenic (1); Likely pathogenic (2); Uncertain significance (2). Last evaluated 2025-05-15.

Conditions:
Usher syndrome type 1D (USH1D). Also called: USHER SYNDROME, TYPE ID. Identifiers: Orphanet 231169, Orphanet 886, MedGen C1832845, MONDO:0010984, OMIM 601067.
Autosomal recessive nonsyndromic hearing loss 84A. Also called: DEAFNESS, AUTOSOMAL RECESSIVE 84A; DEAFNESS, AUTOSOMAL RECESSIVE 84A, WITH VESTIBULAR DYSFUNCTION. Identifiers: Orphanet 90636, MedGen C3150654, MONDO:0013249, OMIM 613391.
Inborn genetic diseases. Identifiers: MedGen C0950123, MeSH D030342.
Pituitary adenoma 5, multiple types. Identifiers: MedGen C4539685, MONDO:0054601, OMIM 617540.

Allele frequency attached by ClinVar (database versions not stated): gnomAD exomes below 0.00001; ExAC 0.00001; gnomAD 0.00001; TOPMed 0.00001; 1000 Genomes Project 30x 0.00016; 1000 Genomes Project 0.00020.
gnomAD v4.1: 1 of 1,613,926 alleles (0.000062%); highest among the groups gnomAD compares: African/African-American, 0.0013%; no homozygotes.

Submissions (5):

Revvity Omics, Revvity
Classification: Uncertain significance. Last evaluated: 2025-05-15. Review status: criteria provided, single submitter. Criteria: ACMG Guidelines, 2015. Collection method: clinical testing. Allele origin: germline.

Ambry Genetics
Classification: Uncertain significance for Inborn genetic diseases. Last evaluated: 2024-01-03. Review status: criteria provided, single submitter. Criteria: Ambry Variant Classification Scheme 2023. Collection method: clinical testing. Allele origin: germline.
Comment: The c.4210-2A>G intronic variant results from an A to G substitution two nucleotides before exon 35 (coding exon 34) of the CDH23 gene. Alterations that disrupt the canonical splice site are expected to result in aberrant splicing. The resulting transcript is predicted to be in-frame and is not expected to trigger nonsense-mediated mRNA decay; however, direct evidence is unavailable. The exact functional effect of the altered amino acid sequence is unknown. Based on data from gnomAD, the G allele has an overall frequency of <0.001% (1/249274) total alleles studied. The highest observed frequency was 0.007% (1/15490) of African alleles. This nucleotide position is highly conserved in available vertebrate species. In silico splice site analysis predicts that this alteration will weaken the native splice acceptor site. Based on insufficient or conflicting evidence, the clinical significance of this alteration remains unclear.

Labcorp Genetics (formerly Invitae), Labcorp
Classification: Likely pathogenic. Last evaluated: 2023-07-26. Review status: criteria provided, single submitter. Criteria: Invitae Variant Classification Sherloc (09022015). Collection method: clinical testing. Allele origin: germline.
Comment: ClinVar contains an entry for this variant (Variation ID: 585306). In summary, the currently available evidence indicates that the variant is pathogenic, but additional data are needed to prove that conclusively. Therefore, this variant has been classified as Likely Pathogenic. Algorithms developed to predict the effect of sequence changes on RNA splicing suggest that this variant may disrupt the consensus splice site. This variant has not been reported in the literature in individuals affected with CDH23-related conditions. This variant is present in population databases (rs557620034, gnomAD 0.007%). This sequence change affects an acceptor splice site in intron 34 of the CDH23 gene. It is expected to disrupt RNA splicing. Variants that disrupt the donor or acceptor splice site typically lead to a loss of protein function (PMID: 16199547), and loss-of-function variants in CDH23 are known to be pathogenic (PMID: 11138009, 21940737).

Baylor Genetics
Classification: Likely pathogenic for Pituitary adenoma 5, multiple types. Last evaluated: 2023-01-18. Review status: criteria provided, single submitter. Criteria: ACMG Guidelines, 2015. Collection method: clinical testing. Allele origin: unknown.

Molecular Diagnostics Laboratory, M Health Fairview: University of Minnesota
Classification: Pathogenic for Usher syndrome type 1D; Autosomal recessive nonsyndromic hearing loss 84A. Last evaluated: 2016-09-21. Review status: criteria provided, single submitter. Criteria: ACMG Guidelines, 2015. Collection method: clinical testing. Allele origin: germline. Affected: yes. Observed: 1 variant allele.

Literature cited by the submitters: PubMed 16199547 (cited by Labcorp Genetics (formerly Invitae), Labcorp); PubMed 11138009 (cited by Labcorp Genetics (formerly Invitae), Labcorp); PubMed 21940737 (cited by Labcorp Genetics (formerly Invitae), Labcorp).